The following is an entry in ClinVar:

NM_000742.4(CHRNA2):c.912_913delinsAA (p.Leu305Met)

Gene: CHRNA2 (cholinergic receptor nicotinic alpha 2 subunit; minus strand). Cytogenetic location: 8p21.2.
Variant type: Indel.
Coding change: c.912_913delinsAA on transcript NM_000742.4 (MANE Select); coding-DNA positions 912 to 913, GC replaced by AA.
Protein change: p.Leu305Met; replaces leucine 305 with methionine.
Molecular consequence: missense variant.
Genome position (GRCh38, 1-based): chr8:27,463,530-27,463,531, GC replaced by TT on the plus strand (GC replaced by AA on the coding strand, the reverse complement: CHRNA2 is on the minus strand). VCF-style: chr8-27463530-GC-TT. GRCh37 (hg19) VCF-style: chr8-27321047-GC-TT.
Other names: c.867_868delinsAA, p.Leu290Met (NM_001282455.2); c.435_436delinsAA, p.Leu146Met (NM_001347705.2, NM_001347706.2); c.318_319delinsAA, p.Leu107Met (NM_001347707.2, NM_001347708.2); short protein forms L290M, L107M, L146M, L305M.
Identifiers: ClinVar variation 1514675 (VCV001514675.8), dbSNP rs2132652617, ClinGen allele CA2573142639.

ClinVar aggregate classification (germline): Uncertain significance (1 of 4 stars; one submission).

Conditions:
Familial sleep-related hypermotor epilepsy. Also called: Autosomal Dominant Sleep-Related Hypermotor (Hyperkinetic) Epilepsy. Identifiers: Orphanet 98784, MedGen C3696898, MONDO:0000030.

Submission:

Labcorp Genetics (formerly Invitae), Labcorp
Classification: Uncertain significance. Last evaluated: 2022-07-05. Review status: criteria provided, single submitter. Criteria: Invitae Variant Classification Sherloc (09022015). Collection method: clinical testing. Allele origin: germline.
Comment: Information on the frequency of this variant in the gnomAD database is not available, as this variant may be reported differently in the database. This sequence change replaces leucine, which is neutral and non-polar, with methionine, which is neutral and non-polar, at codon 305 of the CHRNA2 protein (p.Leu305Met). This variant has not been reported in the literature in individuals affected with CHRNA2-related conditions. In summary, the available evidence is currently insufficient to determine the role of this variant in disease. Therefore, it has been classified as a Variant of Uncertain Significance. Experimental studies and prediction algorithms are not available or were not evaluated, and the functional significance of this variant is currently unknown. ClinVar contains an entry for this variant (Variation ID: 1514675).